The following is an entry in ClinVar:

ClinVar aggregate classification (germline): Pathogenic (1 of 4 stars; one submission).

Conditions:
Carnitine palmitoyltransferase II deficiency. Also called: Carnitine Palmitoyltransferase 2 Deficiency. Identifiers: Orphanet 157, MedGen C0342790, MONDO:0015515.

Submission:

Labcorp Genetics (formerly Invitae), Labcorp
Classification: Pathogenic for Carnitine palmitoyltransferase II deficiency. Last evaluated: 2021-09-16. Review status: criteria provided, single submitter. Criteria: Invitae Variant Classification Sherloc (09022015). Collection method: clinical testing. Allele origin: germline.
Comment: For these reasons, this variant has been classified as Pathogenic. This variant has not been reported in the literature in individuals affected with CPT2-related conditions. This variant is not present in population databases (ExAC no frequency). This sequence change creates a premature translational stop signal (p.Asp363Glyfs*9) in the CPT2 gene. It is expected to result in an absent or disrupted protein product. Loss-of-function variants in CPT2 are known to be pathogenic (PMID: 16781677, 16996287).

Literature cited by the submitters: PubMed 16781677; PubMed 16996287.

NM_000098.3(CPT2):c.1087dup (p.Asp363fs)

Gene: CPT2 (carnitine palmitoyltransferase 2; plus strand). Cytogenetic location: 1p32.3.
Variant type: Duplication.
Coding change: c.1087dup on transcript NM_000098.3 (MANE Select); coding-DNA position 1087, one base duplicated (G; older notation c.1087dupG).
Protein change: p.Asp363fs; shifts the reading frame from aspartic acid 363.
Molecular consequence: frameshift variant.
Genome position (GRCh38, 1-based): chr1:53,210,761, G duplicated; the last of 2 consecutive G bases (chr1:53,210,760-53,210,761); duplicating either gives the same sequence. VCF-style (leftmost placement, unchanged base first): chr1-53210759-A-AG. GRCh37 (hg19) VCF-style: chr1-53676431-A-AG.
Other names: c.1087dup, p.Asp363fs (NM_001330589.2); short protein forms D363fs.
Identifiers: ClinVar variation 1460313 (VCV001460313.6), dbSNP rs2100273480, ClinGen allele CA2573131911.